The following is an entry in ClinVar:

NM_000051.4(ATM):c.4387T>C (p.Phe1463Leu)

Gene: ATM (ATM serine/threonine kinase; plus strand). Cytogenetic location: 11q22.3.
Variant type: single nucleotide variant.
Coding change: c.4387T>C on transcript NM_000051.4 (MANE Select); coding-DNA position 4387, T replaced by C.
Protein change: p.Phe1463Leu; replaces phenylalanine 1463 with leucine.
Molecular consequence: missense variant.
Genome position (GRCh38, 1-based): chr11:108,289,752, T>C. VCF-style: chr11-108289752-T-C. GRCh37 (hg19) VCF-style: chr11-108160479-T-C.
Other names: c.4387T>C, p.Phe1463Leu (NM_001351834.2); short protein forms F1463L.
Identifiers: ClinVar variation 1740189 (VCV001740189.6), dbSNP rs549106928, ClinGen allele CA228375449.

ClinVar aggregate classification (germline): Uncertain significance. Review status: criteria provided, multiple submitters, no conflicts (2 of 4 stars). 2 submissions from 2 submitters: Uncertain significance (2). Last evaluated 2024-06-12.

Conditions:
Hereditary cancer-predisposing syndrome. Also called: Neoplastic Syndromes, Hereditary; Tumor predisposition; Hereditary Cancer Syndrome; Hereditary neoplastic syndrome. Identifiers: Orphanet 140162, MedGen C0027672, MeSH D009386, MONDO:0015356.
Ataxia-telangiectasia syndrome (AT). Also called: LOUIS-BAR SYNDROME; Cerebello-oculocutaneous telangiectasia; Immunodeficiency with ataxia telangiectasia; Ataxia-telangiectasia, complementation group D; AT, COMPLEMENTATION GROUP C; ATAXIA-TELANGIECTASIA, COMPLEMENTATION GROUP A. Identifiers: Orphanet 100, MedGen C0004135, MONDO:0008840, OMIM 208900.

Allele frequency attached by ClinVar (database versions not stated): gnomAD 0.00001; TOPMed 0.00001; 1000 Genomes Project 30x 0.00016; 1000 Genomes Project 0.00020.
gnomAD v4.1: 3 of 1,613,678 alleles (0.00019%); highest among the groups gnomAD compares: African/African-American, 0.004%; no homozygotes.

Submissions (2):

Ambry Genetics
Classification: Uncertain significance for Hereditary cancer-predisposing syndrome. Last evaluated: 2024-06-12. Review status: criteria provided, single submitter. Criteria: Ambry Variant Classification Scheme 2023. Collection method: clinical testing. Allele origin: germline.
Comment: The p.F1463L variant (also known as c.4387T>C), located in coding exon 28 of the ATM gene, results from a T to C substitution at nucleotide position 4387. The phenylalanine at codon 1463 is replaced by leucine, an amino acid with highly similar properties. This amino acid position is highly conserved in available vertebrate species. In addition, this alteration is predicted to be deleterious by in silico analysis. Based on the available evidence, the clinical significance of this variant remains unclear.

Labcorp Genetics (formerly Invitae), Labcorp
Classification: Uncertain significance for Ataxia-telangiectasia syndrome. Last evaluated: 2024-05-12. Review status: criteria provided, single submitter. Criteria: Invitae Variant Classification Sherloc (09022015). Collection method: clinical testing. Allele origin: germline.
Comment: This sequence change replaces phenylalanine, which is neutral and non-polar, with leucine, which is neutral and non-polar, at codon 1463 of the ATM protein (p.Phe1463Leu). This variant is not present in population databases (gnomAD no frequency). This variant has not been reported in the literature in individuals affected with ATM-related conditions. ClinVar contains an entry for this variant (Variation ID: 1740189). An algorithm developed to predict the effect of missense changes on protein structure and function (PolyPhen-2) suggests that this variant is likely to be disruptive. In summary, the available evidence is currently insufficient to determine the role of this variant in disease. Therefore, it has been classified as a Variant of Uncertain Significance.